The following is an entry in ClinVar:

ClinVar aggregate classification (germline): Uncertain significance (1 of 4 stars; one submission).

Conditions:
Predisposition to invasive fungal disease due to CARD9 deficiency (IMD103). Also called: CARD9 IMMUNODEFICIENCY; Candidiasis, familial, 2, autosomal recessive; IMMUNODEFICIENCY 103, SUSCEPTIBILITY TO FUNGAL INFECTIONS. Identifiers: Orphanet 457088, MedGen C1859353, MONDO:0008905, OMIM 212050.

Submission:

Labcorp Genetics (formerly Invitae), Labcorp
Classification: Uncertain significance for Predisposition to invasive fungal disease due to CARD9 deficiency. Last evaluated: 2022-08-15. Review status: criteria provided, single submitter. Criteria: Invitae Variant Classification Sherloc (09022015). Collection method: clinical testing. Allele origin: germline.
Comment: This variant has not been reported in the literature in individuals affected with CARD9-related conditions. This variant is not present in population databases (gnomAD no frequency). This sequence change replaces glutamic acid, which is acidic and polar, with lysine, which is basic and polar, at codon 497 of the CARD9 protein (p.Glu497Lys). ClinVar contains an entry for this variant (Variation ID: 1346662). In summary, the available evidence is currently insufficient to determine the role of this variant in disease. Therefore, it has been classified as a Variant of Uncertain Significance. Algorithms developed to predict the effect of missense changes on protein structure and function (SIFT, PolyPhen-2, Align-GVGD) all suggest that this variant is likely to be tolerated.

NM_052813.5(CARD9):c.1489G>A (p.Glu497Lys)

Gene: CARD9 (caspase recruitment domain family member 9; minus strand). Cytogenetic location: 9q34.3.
Variant type: single nucleotide variant.
Coding change: c.1489G>A on transcript NM_052813.5 (MANE Select); coding-DNA position 1489, G replaced by A.
Protein change: p.Glu497Lys; replaces glutamic acid 497 with lysine.
Molecular consequence: missense variant. On other transcripts: intron variant (1).
Genome position (GRCh38, 1-based): chr9:136,364,505, C>T on the plus strand (G>A on the coding strand, the complement: CARD9 is on the minus strand). VCF-style: chr9-136364505-C-T. GRCh37 (hg19) VCF-style: chr9-139258957-C-T.
Other names: c.1441+48G>A (NM_052814.4); short protein forms E497K.
Identifiers: ClinVar variation 1346662 (VCV001346662.6), dbSNP rs778435234, ClinGen allele CA201606396.